The following is an entry in ClinVar:

ClinVar aggregate classification (germline): Uncertain significance (1 of 4 stars; one submission).

Conditions:
Cardiovascular phenotype. Identifiers: MedGen CN230736.

Submission:

Ambry Genetics
Classification: Uncertain significance for Cardiovascular phenotype. Last evaluated: 2023-01-16. Review status: criteria provided, single submitter. Criteria: Ambry Variant Classification Scheme 2023. Collection method: clinical testing. Allele origin: germline.
Comment: The p.P273S variant (also known as c.817C>T), located in coding exon 7 of the TBX5 gene, results from a C to T substitution at nucleotide position 817. The proline at codon 273 is replaced by serine, an amino acid with similar properties. This amino acid position is conserved. In addition, the in silico prediction for this alteration is inconclusive. Since supporting evidence is limited at this time, the clinical significance of this alteration remains unclear.

NM_181486.4(TBX5):c.817C>T (p.Pro273Ser)

Gene: TBX5 (T-box transcription factor 5; minus strand). Cytogenetic location: 12q24.21.
Variant type: single nucleotide variant.
Coding change: c.817C>T on transcript NM_181486.4 (MANE Select); coding-DNA position 817, C replaced by T.
Protein change: p.Pro273Ser; replaces proline 273 with serine.
Molecular consequence: missense variant.
Genome position (GRCh38, 1-based): chr12:114,366,330, G>A on the plus strand (C>T on the coding strand, the complement: TBX5 is on the minus strand). VCF-style: chr12-114366330-G-A. GRCh37 (hg19) VCF-style: chr12-114804135-G-A.
Other names: c.817C>T, p.Pro273Ser (NM_000192.3); c.667C>T, p.Pro223Ser (NM_080717.4); short protein forms P273S, P223S.
Identifiers: ClinVar variation 2448157 (VCV002448157.2), dbSNP rs756238293, ClinGen allele CA386926562.